The following is an entry in ClinVar:

ClinVar aggregate classification (germline): Uncertain significance (1 of 4 stars; one submission).

Conditions:
Hereditary cancer-predisposing syndrome. Also called: Neoplastic Syndromes, Hereditary; Tumor predisposition; Hereditary Cancer Syndrome; Hereditary neoplastic syndrome. Identifiers: Orphanet 140162, MedGen C0027672, MeSH D009386, MONDO:0015356.

Allele frequency attached by ClinVar (database versions not stated): gnomAD exomes below 0.00001.

Submission:

Ambry Genetics
Classification: Uncertain significance for Hereditary cancer-predisposing syndrome. Last evaluated: 2021-05-11. Review status: criteria provided, single submitter. Criteria: Ambry Variant Classification Scheme 2023. Collection method: clinical testing. Allele origin: germline.
Comment: The c.3796_3809dup14 variant, located in coding exon 25 of the RAD50 gene, results from a duplication of GTAATCACTCATGA at nucleotide position 3796, causing a translational frameshift with a predicted alternate stop codon (p.D1270Efs*2). This alteration occurs at the 3' terminus of theRAD50 gene, is not expected to trigger nonsense-mediated mRNAdecay, and only impacts the last 42 amino acids of the protein. The exact functional effect of this alteration is unknown. Since supporting evidence is limited at this time, the clinical significance of this alteration remains unclear.

NM_005732.4(RAD50):c.3796_3809dup (p.Asp1270delinsGluTer)

Genes: RAD50 (RAD50 double strand break repair protein; plus strand), TH2LCRR (T helper type 2 locus control region associated RNA; minus strand). Cytogenetic location: 5q31.1.
Variant type: Duplication.
Coding change: c.3796_3809dup on transcript NM_005732.4 (MANE Select); coding-DNA positions 3796 to 3809, 14 bases duplicated (GTAATCACTCATGA).
Protein change: p.Asp1270delinsGluTer.
Molecular consequence: nonsense. On other transcripts: non-coding transcript variant (1).
Genome position (GRCh38, 1-based): chr5:132,642,221-132,642,234, GTAATCACTCATGA duplicated. VCF-style (leftmost placement, unchanged base first): chr5-132642220-G-GGTAATCACTCATGA. GRCh37 (hg19) VCF-style: chr5-131977912-G-GGTAATCACTCATGA.
Identifiers: ClinVar variation 1734979 (VCV001734979.2), dbSNP rs2479440064, ClinGen allele CA2580072797.